The following is an entry in ClinVar:

NM_001003699.4(RREB1):c.2229G>A (p.Glu743=)

Gene: RREB1 (ras responsive element binding protein 1; plus strand). Cytogenetic location: 6p24.3.
Variant type: single nucleotide variant.
Coding change: c.2229G>A on transcript NM_001003699.4 (MANE Select); coding-DNA position 2229, G replaced by A.
Protein change: p.Glu743=; no amino-acid change (glutamic acid 743 retained).
Molecular consequence: synonymous variant.
Genome position (GRCh38, 1-based): chr6:7,230,328, G>A. VCF-style: chr6-7230328-G-A. GRCh37 (hg19) VCF-style: chr6-7230561-G-A.
Other names: c.2229G>A, p.Glu743= (NM_001003698.4, NM_001003700.2, NM_001168344.2).
Identifiers: ClinVar variation 717151 (VCV000717151.30), dbSNP rs149393874, ClinGen allele CA3625740.
Genomic context (GRCh38, chr6:7,230,328, plus strand): 5'-CAAGGCCACCCGCAAGGATATCGAGAAGAACATCGAGTATGTGAGTAGCAGCGCGGCCGA[G>A]CTGGTGGACGCCTTCTGCGCCCCGGACACCGTGTGCCGGCTGTGCGGCGAGGACCTCAAG-3'
Protein context (NP_001003699.1, residues 733-753): NIEYVSSSAA[Glu743=]LVDAFCAPDT

ClinVar aggregate classification (germline): Benign/Likely benign. Review status: criteria provided, multiple submitters, no conflicts (2 of 4 stars). 4 submissions from 4 submitters: Benign (2); Likely benign (1). 1 of the submissions does not count toward it. Last evaluated 2026-09-01.

Conditions:
RREB1-related disorder. Also called: RREB1-related condition.

Allele frequency attached by ClinVar (database versions not stated): 1000 Genomes Project 0.00120; 1000 Genomes Project 30x 0.00141; ExAC 0.00226; gnomAD 0.00240 and 0.00252; gnomAD exomes 0.00243 and 0.00440; TOPMed 0.00243; ESP Exome Variant Server 0.00500.
gnomAD v4.1: 6,692 of 1,589,062 alleles (0.42%); highest among the groups gnomAD compares: Non-Finnish European, 0.53%; 22 homozygotes.

Submissions (4):

CeGaT Center for Human Genetics Tuebingen
Classification: Likely benign. Last evaluated: 2026-09-01. Review status: criteria provided, single submitter. Criteria: CeGaT Center For Human Genetics Tuebingen Variant Classification Criteria Version 2. Collection method: clinical testing. Allele origin: germline. Affected: yes. Observed: 12 variant alleles.
Comment: RREB1: BP4, BS2

Women's Health and Genetics/Laboratory Corporation of America, LabCorp
Classification: Benign. Last evaluated: 2026-05-13. Review status: criteria provided, single submitter. Criteria: LabCorp Variant Classification Summary - May 2015. Collection method: clinical testing. Allele origin: germline.

Labcorp Genetics (formerly Invitae), Labcorp
Classification: Benign. Last evaluated: 2019-12-31. Review status: criteria provided, single submitter. Criteria: Invitae Variant Classification Sherloc (09022015). Collection method: clinical testing. Allele origin: germline.

PreventionGenetics, part of Exact Sciences
Classification: Likely benign for RREB1-related condition. Last evaluated: 2019-04-30. Review status: no assertion criteria provided. Collection method: clinical testing. Allele origin: germline. Not counted in ClinVar's aggregate classification.
Comment: This variant is classified as likely benign based on ACMG/AMP sequence variant interpretation guidelines (Richards et al. 2015 PMID: 25741868, with internal and published modifications).